The following is an entry in ClinVar:

ClinVar aggregate classification (germline): Uncertain significance (1 of 4 stars; one submission).

Conditions:
Spinocerebellar ataxia 42, early-onset, severe, with neurodevelopmental deficits. Identifiers: MedGen C4748120, MONDO:0060758, OMIM 618087.
Spinocerebellar ataxia type 42. Identifiers: Orphanet 458803, MedGen C4225205, MONDO:0014776, OMIM 616795.

Submission:

Juno Genomics, Hangzhou Juno Genomics, Inc
Classification: Uncertain significance for Spinocerebellar ataxia type 42; Spinocerebellar ataxia 42, early-onset, severe, with neurodevelopmental deficits. Review status: criteria provided, single submitter. Criteria: ACMG Guidelines, 2015. Collection method: clinical testing. Allele origin: germline.
Comment: Absent from controls (or at extremely low frequency if recessive) in Genome Aggregation Database.;Missense variant in a gene that has a low rate of benign missense variation.;Multiple lines of computational evidence support a deleterious effect on the gene or gene product.

NM_018896.5(CACNA1G):c.628A>G (p.Met210Val)

Gene: CACNA1G (calcium voltage-gated channel subunit alpha1 G; plus strand). Cytogenetic location: 17q21.33.
Variant type: single nucleotide variant.
Coding change: c.628A>G on transcript NM_018896.5 (MANE Select); coding-DNA position 628, A replaced by G.
Protein change: p.Met210Val; replaces methionine 210 with valine.
Molecular consequence: missense variant. On other transcripts: non-coding transcript variant (5).
Genome position (GRCh38, 1-based): chr17:50,571,919, A>G. VCF-style: chr17-50571919-A-G. GRCh37 (hg19) VCF-style: chr17-48649280-A-G.
Other names: c.628A>G, p.Met210Val (NM_198388.3, NM_198396.3, NM_001256324.2 and 24 more transcripts); short protein forms M210V.
Identifiers: ClinVar variation 5005775 (VCV005005775.2).